The following is an entry in ClinVar:

NM_006431.3(CCT2):c.145-16A>G

Gene: CCT2 (chaperonin containing TCP1 subunit 2; plus strand). Cytogenetic location: 12q15.
Variant type: single nucleotide variant.
Coding change: c.145-16A>G on transcript NM_006431.3 (MANE Select); 16 bases into the intron before coding-DNA position 145, A replaced by G.
Molecular consequence: intron variant.
Genome position (GRCh38, 1-based): chr12:69,587,489, A>G. VCF-style: chr12-69587489-A-G. GRCh37 (hg19) VCF-style: chr12-69981269-A-G.
Other names: c.4-16A>G (NM_001198842.2).
Identifiers: ClinVar variation 1468222 (VCV001468222.6), dbSNP rs758725500, ClinGen allele CA6680476.

ClinVar aggregate classification (germline): Uncertain significance (1 of 4 stars; one submission).

Allele frequency attached by ClinVar (database versions not stated): gnomAD exomes below 0.00001 and 0.00001; ExAC 0.00002.
gnomAD v4.1: 3 of 1,482,504 alleles (0.0002%); highest among the groups gnomAD compares: African/African-American, 0.0014%; no homozygotes.

Submission:

Labcorp Genetics (formerly Invitae), Labcorp
Classification: Uncertain significance. Last evaluated: 2022-06-27. Review status: criteria provided, single submitter. Criteria: Invitae Variant Classification Sherloc (09022015). Collection method: clinical testing. Allele origin: germline.
Comment: In summary, the available evidence is currently insufficient to determine the role of this variant in disease. Therefore, it has been classified as a Variant of Uncertain Significance. Algorithms developed to predict the effect of sequence changes on RNA splicing suggest that this variant may create or strengthen a splice site. This variant has not been reported in the literature in individuals affected with CCT2-related conditions. This variant is present in population databases (rs758725500, gnomAD 0.007%). This sequence change falls in intron 3 of the CCT2 gene. It does not directly change the encoded amino acid sequence of the CCT2 protein.